The following is an entry in ClinVar:

NM_001367498.1(CNTNAP5):c.187+1G>A

Gene: CNTNAP5 (contactin associated protein family member 5; plus strand). Cytogenetic location: 2q14.3.
Variant type: single nucleotide variant.
Coding change: c.187+1G>A on transcript NM_001367498.1 (MANE Select); the canonical splice donor site of the intron after coding-DNA position 187, G replaced by A.
Molecular consequence: splice donor variant.
Genome position (GRCh38, 1-based): chr2:124,221,810, G>A. VCF-style: chr2-124221810-G-A. GRCh37 (hg19) VCF-style: chr2-124979387-G-A.
Other names: c.187+1G>A (NM_130773.4).
Identifiers: ClinVar variation 2631676 (VCV002631676.3), dbSNP rs2467137992, ClinGen allele CA348201433.

ClinVar aggregate classification (germline): Uncertain significance (1 of 4 stars; one submission).

Conditions:
CNTNAP5-related disorder. Also called: CNTNAP5-related condition.

Submission:

PreventionGenetics, part of Exact Sciences
Classification: Uncertain significance for CNTNAP5-related condition. Last evaluated: 2025-11-10. Review status: criteria provided, single submitter. Criteria: ACMG Guidelines, 2015. Collection method: clinical testing. Allele origin: germline.
Comment: The CNTNAP5 c.187+1G>A variant is predicted to disrupt the GT donor site and interfere with normal splicing. To our knowledge, this variant has not been reported in the literature or in a large population database, indicating this variant is rare. Loss of function is not an established mechanism for CNTNAP5-related disease. However, a limited number of de novo deletions involving CNTNAP5 have been reported in individuals with autism and intellectual disability (Aleo et al 2020. PubMed ID: 32975021; Ludington et al 2020. PubMed ID: 32329157). Although we suspect that this variant may be pathogenic, at this time, the clinical significance of this variant is uncertain due to the absence of conclusive functional and genetic evidence.